The following is an entry in ClinVar:

NM_020242.3(KIF15):c.1502G>T (p.Arg501Leu)

Gene: KIF15 (kinesin family member 15; plus strand). Cytogenetic location: 3p21.31.
Variant type: single nucleotide variant.
Coding change: c.1502G>T on transcript NM_020242.3 (MANE Select); coding-DNA position 1502, G replaced by T.
Protein change: p.Arg501Leu; replaces arginine 501 with leucine.
Molecular consequence: missense variant.
Genome position (GRCh38, 1-based): chr3:44,801,967, G>T. VCF-style: chr3-44801967-G-T. GRCh37 (hg19) VCF-style: chr3-44843459-G-T.
Other names: short protein forms R501L.
Identifiers: ClinVar variation 3777768 (VCV003777768.7).
Genomic context (GRCh38, chr3:44,801,967, plus strand): 5'-TTCTGCCTGAGGAGCAGGATCGTTTGCTCTCAGAATTAAGGAATGAGATTCAAACTCTGC[G>T]AGAACAAGTGAGTATACGGCATCTATAATATTTCTAAAAATAAAAGAAGTTCAAAGCAAA-3'
Protein context (NP_064627.1, residues 491-511): SELRNEIQTL[Arg501Leu]EQIEHHPRVA

ClinVar aggregate classification (germline): Likely benign (1 of 4 stars; one submission).

gnomAD v4.1: 5,723 of 1,603,674 alleles (0.36%); highest among the groups gnomAD compares: Non-Finnish European, 0.41%; 17 homozygotes.

Submission:

CeGaT Center for Human Genetics Tuebingen
Classification: Likely benign. Last evaluated: 2026-07-01. Review status: criteria provided, single submitter. Criteria: CeGaT Center For Human Genetics Tuebingen Variant Classification Criteria Version 2. Collection method: clinical testing. Allele origin: germline. Affected: yes. Observed: 2 variant alleles.
Comment: KIF15: BP4